The following is an entry in ClinVar:

NM_194454.3(KRIT1):c.1058G>A (p.Gly353Glu)

Gene: KRIT1 (KRIT1 ankyrin repeat containing; minus strand). Cytogenetic location: 7q21.2.
Variant type: single nucleotide variant.
Coding change: c.1058G>A on transcript NM_194454.3 (MANE Select); coding-DNA position 1058, G replaced by A.
Protein change: p.Gly353Glu; replaces glycine 353 with glutamic acid.
Molecular consequence: missense variant.
Genome position (GRCh38, 1-based): chr7:92,226,614, C>T on the plus strand (G>A on the coding strand, the complement: KRIT1 is on the minus strand). VCF-style: chr7-92226614-C-T. GRCh37 (hg19) VCF-style: chr7-91855928-C-T.
Other names: c.914G>A, p.Gly305Glu (NM_001350670.1, NM_001013406.2, NM_001350669.1); c.344G>A, p.Gly115Glu (NM_001350671.1); c.1058G>A, p.Gly353Glu (NM_001350672.1, NM_001350673.1, NM_001350674.1 and 26 more transcripts); short protein forms G115E, G305E, G353E.
Identifiers: ClinVar variation 4881313 (VCV004881313.2).

ClinVar aggregate classification (germline): Uncertain significance (1 of 4 stars; one submission).

Submission:

Dasa
Classification: Uncertain significance. Last evaluated: 2025-07-22. Review status: criteria provided, single submitter. Criteria: DASA Assertion Criteria. Collection method: clinical testing. Allele origin: germline.
Comment: NM_194454.3(KRIT1):c.1058G>A (p.Gly353Glu) is a missense variant that results in the substitution of glycine with glutamic acid. This variant is absent from population databases. The currently available literature and clinical evidence are not sufficient to establish a definitive association between this variant and the reported condition. Therefore, this variant is classified as a variant of uncertain significance.